The following is an entry in ClinVar:

NM_001271.4(CHD2):c.2577+15_2577+20del

Gene: CHD2 (chromodomain helicase DNA binding protein 2; plus strand). Cytogenetic location: 15q26.1.
Variant type: Deletion.
Coding change: c.2577+15_2577+20del on transcript NM_001271.4 (MANE Select); bases 15 to 20 of the intron after coding-DNA position 2577, 6 bases deleted (GCTTTG; older notation c.2577+15_2577+20delGCTTTG).
Molecular consequence: intron variant.
Genome position (GRCh38, 1-based): chr15:92,974,965-92,974,970, GCTTTG deleted; deleting any 6 consecutive bases within chr15:92,974,963-92,974,970 gives the same sequence; the c. name uses the placement nearest the transcript's 3' end. VCF-style (leftmost placement, unchanged base first): chr15-92974962-ATGGCTT-A. GRCh37 (hg19) VCF-style: chr15-93518192-ATGGCTT-A.
Other names: c.2577+15_2577+20delGCTTTG (NM_001271.4).
Identifiers: ClinVar variation 2691424 (VCV002691424.1), dbSNP rs2053888422, ClinGen allele CA2196372197.

ClinVar aggregate classification (germline): Likely benign (1 of 4 stars; one submission).

Submission:

Women's Health and Genetics/Laboratory Corporation of America, LabCorp
Classification: Likely benign. Last evaluated: 2023-12-27. Review status: criteria provided, single submitter. Criteria: LabCorp Variant Classification Summary - May 2015. Collection method: clinical testing. Allele origin: germline.
Comment: Variant summary: CHD2 c.2577+15_2577+20delGCTTTG deletes nucleotides located at a position not widely known to affect splicing. Consensus agreement among computation tools predict no significant impact on normal splicing. However, these predictions have yet to be confirmed by functional studies. The variant allele was found at a frequency of 1.4e-06 in 1459380 control chromosomes (gnomAD v4.0). The available data on variant occurrences in the general population are insufficient to allow any conclusion about variant significance. To our knowledge, no occurrence of c.2577+15_2577+20delGCTTTG in individuals affected with Developmental And Epileptic Encephalopathy 94 and no experimental evidence demonstrating its impact on protein function have been reported. No submitters have cited clinical-significance assessments for this variant to ClinVar after 2014. Based on the evidence outlined above, the variant was classified as likely benign.